The following is an entry in ClinVar:

ClinVar aggregate classification (germline): Likely pathogenic (1 of 4 stars; one submission).

Conditions:
COL1A1-related disorder. Also called: COL1A1-related condition; COL1A1- related disease.

Submission:

3billion
Classification: Likely pathogenic for COL1A1-related disorder. Last evaluated: 2026-01-14. Review status: criteria provided, single submitter. Criteria: ACMG Guidelines, 2015. Collection method: clinical testing. Allele origin: germline. Affected: yes.
Comment: The variant is not observed in the gnomAD v4.1.0 dataset. Predicted Consequence/Location: Frameshift: predicted to result in a loss or disruption of normal protein function through nonsense-mediated decay (NMD) or protein truncation. Multiple pathogenic variants are reported downstream of the variant. Therefore, this variant is classified as Likely pathogenic according to the recommendation of ACMG/AMP guideline.

NM_000088.4(COL1A1):c.3091_3093delinsT (p.Gly1031fs)

Gene: COL1A1 (collagen type I alpha 1 chain; minus strand). Cytogenetic location: 17q21.33.
Variant type: Indel.
Coding change: c.3091_3093delinsT on transcript NM_000088.4 (MANE Select); coding-DNA positions 3091 to 3093, GGC replaced by T.
Protein change: p.Gly1031fs; shifts the reading frame from glycine 1031.
Molecular consequence: frameshift variant.
Genome position (GRCh38, 1-based): chr17:50,188,748-50,188,750, GCC replaced by A on the plus strand (GGC replaced by T on the coding strand, the reverse complement: COL1A1 is on the minus strand). VCF-style: chr17-50188748-GCC-A. GRCh37 (hg19) VCF-style: chr17-48266109-GCC-A.
Other names: short protein forms G1031fs.
Identifiers: ClinVar variation 4856023 (VCV004856023.1).